The following is an entry in ClinVar:

ClinVar aggregate classification (germline): not provided (0 of 4 stars; one submission).

Allele frequency attached by ClinVar (database versions not stated): gnomAD 0.00004 and 0.00006; TOPMed 0.00005; gnomAD exomes 0.00012; 1000 Genomes Project 30x 0.00016; 1000 Genomes Project 0.00020.
gnomAD v4.1: 84 of 747,354 alleles (0.011%); highest among the groups gnomAD compares: South Asian, 0.057%; no homozygotes.

Submission:

Human Evolutionary Genetics, Institut Pasteur
No classification provided. Review status: no classification provided. Collection method: not provided. Allele origin: germline.
ClinVar note: Converted during submission from untested to not provided.

NM_017852.5(NLRP2):c.325+129G>A

Gene: NLRP2 (NLR family pyrin domain containing 2; plus strand). Cytogenetic location: 19q13.42.
Variant type: single nucleotide variant.
Coding change: c.325+129G>A on transcript NM_017852.5 (MANE Select); 129 bases into the intron after coding-DNA position 325, G replaced by A.
Molecular consequence: intron variant.
Genome position (GRCh38, 1-based): chr19:54,974,673, G>A. VCF-style: chr19-54974673-G-A. GRCh37 (hg19) VCF-style: chr19-55486041-G-A.
Other names: c.325+129G>A (NM_001174081.3, NM_001348003.2, NM_001174082.3); c.256+129G>A (NM_001174083.2).
Identifiers: ClinVar variation 103068 (VCV000103068.2), dbSNP rs199475711, ClinGen allele CA230066.
Genomic context (GRCh38, chr19:54,974,673, plus strand): 5'-AGAATGTGCTGAGCACTAAGAATGCAAAGAAATGCCGGACTTAGCATCCCTGCTCCCAGG[G>A]CGGAGCTGGTCTCGCAGGTGCGTAGCAGTAAGACCTGGGAAGCTGAAACACGATCGCGTT-3'